The following is an entry in ClinVar:

NM_018136.5(ASPM):c.1789C>T (p.Arg597Ter)

Gene: ASPM (assembly factor for spindle microtubules; minus strand). Cytogenetic location: 1q31.3.
Variant type: single nucleotide variant.
Coding change: c.1789C>T on transcript NM_018136.5 (MANE Select); coding-DNA position 1789, C replaced by T.
Protein change: p.Arg597Ter; replaces arginine 597 with a stop codon.
Molecular consequence: nonsense.
Genome position (GRCh38, 1-based): chr1:197,142,463, G>A on the plus strand (C>T on the coding strand, the complement: ASPM is on the minus strand). VCF-style: chr1-197142463-G-A. GRCh37 (hg19) VCF-style: chr1-197111593-G-A.
Other names: c.1789C>T, p.Arg597Ter (NM_001206846.2); c.1789C>T (NM_018136.4); short protein forms R597*.
Identifiers: ClinVar variation 1012239 (VCV001012239.11), dbSNP rs759485449, ClinGen allele CA1310651.

ClinVar aggregate classification (germline): Pathogenic. Review status: criteria provided, multiple submitters, no conflicts (2 of 4 stars). 4 submissions from 4 submitters: Pathogenic (4). Last evaluated 2024-09-03.

Conditions:
Microcephaly 5, primary, autosomal recessive (MCPH5). Also called: ASPM Primary Microcephaly. Identifiers: Orphanet 2512, MedGen C1837501, MONDO:0012106, OMIM 608716.

Allele frequency attached by ClinVar (database versions not stated): gnomAD 0.00001; gnomAD exomes 0.00001 and 0.00002; ExAC 0.00002.

Submissions (4):

GeneDx
Classification: Pathogenic. Last evaluated: 2024-09-03. Review status: criteria provided, single submitter. Criteria: GeneDx Variant Classification Process June 2021. Collection method: clinical testing. Allele origin: germline.
Comment: Nonsense variant predicted to result in protein truncation or nonsense mediated decay in a gene for which loss of function is a known mechanism of disease; Not observed at significant frequency in large population cohorts (gnomAD); This variant is associated with the following publications: (PMID: 35491272, 34006472, 37599996, 36618380, 38634212, 36307859, 27250695)

Genome-Nilou Lab
Classification: Pathogenic for Microcephaly 5, primary, autosomal recessive. Last evaluated: 2023-04-11. Review status: criteria provided, single submitter. Criteria: ACMG Guidelines, 2015. Collection method: clinical testing. Allele origin: germline. Affected: no.

Labcorp Genetics (formerly Invitae), Labcorp
Classification: Pathogenic. Last evaluated: 2021-09-15. Review status: criteria provided, single submitter. Criteria: Invitae Variant Classification Sherloc (09022015). Collection method: clinical testing. Allele origin: germline.
Comment: For these reasons, this variant has been classified as Pathogenic. Algorithms developed to predict the effect of sequence changes on RNA splicing suggest that this variant may create or strengthen a splice site. This premature translational stop signal has been observed in individual(s) with primary microcephaly (PMID: 27250695). This variant is present in population databases (rs759485449, ExAC 0.01%). This sequence change creates a premature translational stop signal (p.Arg597*) in the ASPM gene. It is expected to result in an absent or disrupted protein product. Loss-of-function variants in ASPM are known to be pathogenic (PMID: 19028728, 23611254).

Juno Genomics, Hangzhou Juno Genomics, Inc
Classification: Pathogenic for Microcephaly 5, primary, autosomal recessive. Review status: criteria provided, single submitter. Criteria: ACMG Guidelines, 2015. Collection method: clinical testing. Allele origin: germline. Affected: yes.
Comment: Absent from controls (or at extremely low frequency if recessive) in Genome Aggregation Database, Exome Sequencing Project, 1000 Genomes Project, or Exome Aggregation Consortium.;Null variant in a gene where loss of function (LOF) is a known mechanism of disease.;For recessive disorders, detected in trans with a pathogenic variant.

Literature cited by the submitters: PubMed 27250695 (cited by Labcorp Genetics (formerly Invitae), Labcorp); PubMed 19028728 (cited by Labcorp Genetics (formerly Invitae), Labcorp); PubMed 23611254 (cited by Labcorp Genetics (formerly Invitae), Labcorp).